The following is an entry in ClinVar:

NM_004655.4(AXIN2):c.730dup (p.Ser244fs)

Gene: AXIN2 (axin 2; minus strand). Cytogenetic location: 17q24.1.
Variant type: Duplication.
Coding change: c.730dup on transcript NM_004655.4 (MANE Select); coding-DNA position 730, one base duplicated (T; older notation c.730dupT).
Protein change: p.Ser244fs; shifts the reading frame from serine 244.
Molecular consequence: frameshift variant.
Genome position (GRCh38, 1-based): chr17:65,557,891, A duplicated on the plus strand (T on the coding strand, the reverse complement: AXIN2 is on the minus strand); the first of 3 consecutive A bases (chr17:65,557,891-65,557,893); duplicating any one gives the same sequence. VCF-style (leftmost placement, unchanged base first): chr17-65557890-G-GA. GRCh37 (hg19) VCF-style: chr17-63554008-G-GA.
Other names: c.730dupT (NM_004655.3); c.730dup, p.Ser244fs (NM_001363813.1); short protein forms S244fs.
Identifiers: ClinVar variation 651751 (VCV000651751.8), dbSNP rs1056103847, ClinGen allele CA293107129.

ClinVar aggregate classification (germline): Pathogenic. Review status: criteria provided, multiple submitters, no conflicts (2 of 4 stars). 2 submissions from 2 submitters: Pathogenic (2). Last evaluated 2023-05-17.

Conditions:
Oligodontia-cancer predisposition syndrome. Also called: TOOTH AGENESIS-COLORECTAL CANCER SYNDROME. Identifiers: Orphanet 300576, MedGen C1837750, MONDO:0012075, OMIM 608615. Disease mechanism: loss of function.

Submissions (2):

Myriad Genetics, Inc.
Classification: Pathogenic for Oligodontia-cancer predisposition syndrome. Last evaluated: 2023-05-17. Review status: criteria provided, single submitter. Criteria: Myriad Autosomal Dominant, Autosomal Recessive and X-Linked Classification Criteria (2023). Collection method: clinical testing. Allele origin: unknown.
Comment: This variant is considered pathogenic. This variant creates a frameshift predicted to result in premature protein truncation.

Labcorp Genetics (formerly Invitae), Labcorp
Classification: Pathogenic for Oligodontia-cancer predisposition syndrome. Last evaluated: 2018-08-12. Review status: criteria provided, single submitter. Criteria: Invitae Variant Classification Sherloc (09022015). Collection method: clinical testing. Allele origin: germline.
Comment: This sequence change creates a premature translational stop signal (p.Ser244Phefs*25) in the AXIN2 gene. It is expected to result in an absent or disrupted protein product. This variant is not present in population databases (ExAC no frequency). This variant has not been reported in the literature in individuals with AXIN2-related disease. Loss-of-function variants in AXIN2 are known to be pathogenic (PMID: 15042511, 21416598). For these reasons, this variant has been classified as Pathogenic.

Literature cited by the submitters: PubMed 15042511 (cited by Labcorp Genetics (formerly Invitae), Labcorp); PubMed 21416598 (cited by Labcorp Genetics (formerly Invitae), Labcorp).